The following is an entry in ClinVar:

ClinVar aggregate classification (germline): Uncertain significance. Review status: criteria provided, multiple submitters, no conflicts (2 of 4 stars). 3 submissions from 3 submitters: Uncertain significance (3). Last evaluated 2024-08-28.

Conditions:
Inborn genetic diseases. Identifiers: MedGen C0950123, MeSH D030342.

Allele frequency attached by ClinVar (database versions not stated): gnomAD exomes 0.00001 and 0.00002; ExAC 0.00002; TOPMed 0.00005; gnomAD 0.00007 and 0.00008; 1000 Genomes Project 0.00020; 1000 Genomes Project 30x 0.00031.
gnomAD v4.1: 18 of 1,549,010 alleles (0.0012%); highest among the groups gnomAD compares: African/African-American, 0.02%; no homozygotes.

Submissions (3):

Ambry Genetics
Classification: Uncertain significance for Inborn genetic diseases. Last evaluated: 2024-08-28. Review status: criteria provided, single submitter. Criteria: Ambry Variant Classification Scheme 2023. Collection method: clinical testing. Allele origin: germline.

Labcorp Genetics (formerly Invitae), Labcorp
Classification: Uncertain significance. Last evaluated: 2024-08-08. Review status: criteria provided, single submitter. Criteria: Invitae Variant Classification Sherloc (09022015). Collection method: clinical testing. Allele origin: germline.
Comment: This sequence change replaces proline, which is neutral and non-polar, with glutamine, which is neutral and polar, at codon 36 of the NALCN protein (p.Pro36Gln). This variant is present in population databases (rs551879819, gnomAD 0.02%). This variant has not been reported in the literature in individuals affected with NALCN-related conditions. ClinVar contains an entry for this variant (Variation ID: 1696888). An algorithm developed to predict the effect of missense changes on protein structure and function (PolyPhen-2) suggests that this variant is likely to be tolerated. In summary, the available evidence is currently insufficient to determine the role of this variant in disease. Therefore, it has been classified as a Variant of Uncertain Significance.

GeneDx
Classification: Uncertain significance. Last evaluated: 2022-06-27. Review status: criteria provided, single submitter. Criteria: GeneDx Variant Classification Process June 2021. Collection method: clinical testing. Allele origin: germline. Affected: yes.
Comment: In silico analysis supports that this missense variant does not alter protein structure/function; Has not been previously published as pathogenic or benign to our knowledge

NM_052867.4(NALCN):c.107C>A (p.Pro36Gln)

Gene: NALCN (sodium leak channel, non-selective; minus strand). Cytogenetic location: 13q33.1.
Variant type: single nucleotide variant.
Coding change: c.107C>A on transcript NM_052867.4 (MANE Select); coding-DNA position 107, C replaced by A.
Protein change: p.Pro36Gln; replaces proline 36 with glutamine.
Molecular consequence: missense variant.
Genome position (GRCh38, 1-based): chr13:101,399,020, G>T on the plus strand (C>A on the coding strand, the complement: NALCN is on the minus strand). VCF-style: chr13-101399020-G-T. GRCh37 (hg19) VCF-style: chr13-102051371-G-T.
Other names: c.107C>A, p.Pro36Gln (NM_001350748.2, NM_001350749.2, NM_001350750.2 and 1 more transcripts); short protein forms P36Q.
Identifiers: ClinVar variation 1696888 (VCV001696888.8), dbSNP rs551879819, ClinGen allele CA7036564.